The following is an entry in ClinVar:

ClinVar aggregate classification (germline): Likely benign. Review status: criteria provided, multiple submitters, no conflicts (2 of 4 stars). 2 submissions from 2 submitters: Likely benign (2). Last evaluated 2026-09-01.

Conditions:
Catecholaminergic polymorphic ventricular tachycardia 1. Also called: VENTRICULAR TACHYCARDIA, CATECHOLAMINERGIC POLYMORPHIC, 1, WITH OR WITHOUT ATRIAL DYSFUNCTION AND/OR DILATED CARDIOMYOPATHY; VENTRICULAR TACHYCARDIA, STRESS-INDUCED POLYMORPHIC 1; RYR2-Related Catecholaminergic Polymorphic Ventricular Tachycardia. Identifiers: Orphanet 3286, MedGen C1631597, MONDO:0011484, OMIM 604772.

Submissions (2):

CeGaT Center for Human Genetics Tuebingen
Classification: Likely benign. Last evaluated: 2026-09-01. Review status: criteria provided, single submitter. Criteria: CeGaT Center For Human Genetics Tuebingen Variant Classification Criteria Version 2. Collection method: clinical testing. Allele origin: germline. Affected: yes. Observed: 5 variant alleles.
Comment: RYR2: PM2:Supporting, BP4, BP7

Labcorp Genetics (formerly Invitae), Labcorp
Classification: Likely benign for Catecholaminergic polymorphic ventricular tachycardia 1. Last evaluated: 2020-03-05. Review status: criteria provided, single submitter. Criteria: Invitae Variant Classification Sherloc (09022015). Collection method: clinical testing. Allele origin: germline.

NM_001035.3(RYR2):c.1455G>A (p.Arg485=)

Gene: RYR2 (ryanodine receptor 2; plus strand). Cytogenetic location: 1q43.
Variant type: single nucleotide variant.
Coding change: c.1455G>A on transcript NM_001035.3 (MANE Select); coding-DNA position 1455, G replaced by A.
Protein change: p.Arg485=; no amino-acid change (arginine 485 retained).
Molecular consequence: synonymous variant.
Genome position (GRCh38, 1-based): chr1:237,454,553, G>A. VCF-style: chr1-237454553-G-A. GRCh37 (hg19) VCF-style: chr1-237617853-G-A.
Identifiers: ClinVar variation 1135876 (VCV001135876.18), dbSNP rs2150218150, ClinGen allele CA423812744.
Genomic context (GRCh38, chr1:237,454,553, plus strand): 5'-CCCAGATGAGCATTTAGAGCATGAAGACAAACAGAACAGACTACGAGCCCTGAAGAATCG[G>A]CAAAATCTCTTCCAGGAAGAGGTCCGTTTCTATCAACACTCATTTCTCTTCTGTTATTCT-3'
Protein context (NP_001026.2, residues 475-495): KQNRLRALKN[Arg485=]QNLFQEEGMI